The following is an entry in ClinVar:

NM_015559.3(SETBP1):c.1734T>C (p.Thr578=)

Gene: SETBP1 (SET binding protein 1; plus strand). Cytogenetic location: 18q12.3.
Variant type: single nucleotide variant.
Coding change: c.1734T>C on transcript NM_015559.3 (MANE Select); coding-DNA position 1734, T replaced by C.
Protein change: p.Thr578=; no amino-acid change (threonine 578 retained).
Molecular consequence: synonymous variant.
Genome position (GRCh38, 1-based): chr18:44,951,074, T>C. VCF-style: chr18-44951074-T-C. GRCh37 (hg19) VCF-style: chr18-42531039-T-C.
Identifiers: ClinVar variation 704065 (VCV000704065.14), dbSNP rs751607124, ClinGen allele CA8945667.

ClinVar aggregate classification (germline): Likely benign. Review status: criteria provided, multiple submitters, no conflicts (2 of 4 stars). 3 submissions from 3 submitters: Likely benign (2). 1 of the submissions does not count toward it. Last evaluated 2025-10-20.

Conditions:
SETBP1-related disorder. Also called: SETBP1-related condition; SETBP1-related disorders.

Allele frequency attached by ClinVar (database versions not stated): ExAC 0.00001; gnomAD exomes 0.00001; gnomAD 0.00003; TOPMed 0.00003.
gnomAD v4.1: 9 of 1,614,084 alleles (0.00056%); highest among the groups gnomAD compares: East Asian, 0.02%; no homozygotes.

Submissions (3):

Labcorp Genetics (formerly Invitae), Labcorp
Classification: Likely benign. Last evaluated: 2025-10-20. Review status: criteria provided, single submitter. Criteria: Invitae Variant Classification Sherloc (09022015). Collection method: clinical testing. Allele origin: germline.

GeneDx
Classification: Likely benign. Last evaluated: 2020-12-14. Review status: criteria provided, single submitter. Criteria: GeneDx Variant Classification Process June 2021. Collection method: clinical testing. Allele origin: germline. Affected: yes.

PreventionGenetics, part of Exact Sciences
Classification: Likely benign for SETBP1-related condition. Last evaluated: 2020-03-30. Review status: no assertion criteria provided. Collection method: clinical testing. Allele origin: germline. Not counted in ClinVar's aggregate classification.
Comment: This variant is classified as likely benign based on ACMG/AMP sequence variant interpretation guidelines (Richards et al. 2015 PMID: 25741868, with internal and published modifications).